The following is an entry in ClinVar:

ClinVar aggregate classification (germline): Pathogenic/Likely pathogenic. Review status: criteria provided, multiple submitters, no conflicts (2 of 4 stars). 2 submissions from 2 submitters: Pathogenic (1); Likely pathogenic (1). Last evaluated 2022-09-09.

Conditions:
COQ9-related disorders.

Allele frequency attached by ClinVar (database versions not stated): ExAC 0.00001.

Submissions (2):

Labcorp Genetics (formerly Invitae), Labcorp
Classification: Pathogenic. Last evaluated: 2022-09-09. Review status: criteria provided, single submitter. Criteria: Invitae Variant Classification Sherloc (09022015). Collection method: clinical testing. Allele origin: germline.
Comment: This sequence change creates a premature translational stop signal (p.Arg29*) in the COQ9 gene. It is expected to result in an absent or disrupted protein product. Loss-of-function variants in COQ9 are known to be pathogenic (PMID: 19375058, 26081641). The frequency data for this variant in the population databases is considered unreliable, as metrics indicate poor data quality at this position in the gnomAD database. This variant has not been reported in the literature in individuals affected with COQ9-related conditions. For these reasons, this variant has been classified as Pathogenic.

Blueprint Genetics
Classification: Likely pathogenic for COQ9-related disorders. Last evaluated: 2019-11-26. Review status: criteria provided, single submitter. Criteria: ACMG Guidelines, 2015. Collection method: clinical testing. Allele origin: germline. Affected: yes. Observed: 1 variant allele.

Literature cited by the submitters: PubMed 19375058 (cited by Labcorp Genetics (formerly Invitae), Labcorp); PubMed 26081641 (cited by Labcorp Genetics (formerly Invitae), Labcorp).

NM_020312.4(COQ9):c.85C>T (p.Arg29Ter)

Gene: COQ9 (coenzyme Q9; plus strand). Cytogenetic location: 16q21.
Variant type: single nucleotide variant.
Coding change: c.85C>T on transcript NM_020312.4 (MANE Select); coding-DNA position 85, C replaced by T.
Protein change: p.Arg29Ter; replaces arginine 29 with a stop codon.
Molecular consequence: nonsense.
Genome position (GRCh38, 1-based): chr16:57,451,051, C>T. VCF-style: chr16-57451051-C-T. GRCh37 (hg19) VCF-style: chr16-57484963-C-T.
Other names: short protein forms R29*.
Identifiers: ClinVar variation 2029732 (VCV002029732.5), dbSNP rs746155423, ClinGen allele CA8076092.